The following is an entry in ClinVar:

ClinVar aggregate classification (germline): Uncertain significance (1 of 4 stars; one submission).

Allele frequency attached by ClinVar (database versions not stated): ExAC 0.00002; ESP Exome Variant Server 0.00008; gnomAD exomes 0.00001.
gnomAD v4.1: 23 of 1,613,990 alleles (0.0014%); highest among the groups gnomAD compares: South Asian, 0.0033%; no homozygotes.

Submission:

Labcorp Genetics (formerly Invitae), Labcorp
Classification: Uncertain significance. Last evaluated: 2022-07-12. Review status: criteria provided, single submitter. Criteria: Invitae Variant Classification Sherloc (09022015). Collection method: clinical testing. Allele origin: germline.
Comment: This sequence change replaces threonine, which is neutral and polar, with alanine, which is neutral and non-polar, at codon 662 of the GRM6 protein (p.Thr662Ala). This variant is present in population databases (rs148052055, gnomAD 0.003%). This variant has not been reported in the literature in individuals affected with GRM6-related conditions. ClinVar contains an entry for this variant (Variation ID: 1399694). Advanced modeling of protein sequence and biophysical properties (such as structural, functional, and spatial information, amino acid conservation, physicochemical variation, residue mobility, and thermodynamic stability) performed at Invitae indicates that this missense variant is not expected to disrupt GRM6 protein function. In summary, the available evidence is currently insufficient to determine the role of this variant in disease. Therefore, it has been classified as a Variant of Uncertain Significance.

NM_000843.4(GRM6):c.1984A>G (p.Thr662Ala)

Genes: GRM6 (glutamate metabotropic receptor 6; minus strand), ZNF454 (zinc finger protein 454; plus strand). Cytogenetic location: 5q35.3.
Variant type: single nucleotide variant.
Coding change: c.1984A>G on transcript NM_000843.4 (MANE Select); coding-DNA position 1984, A replaced by G.
Protein change: p.Thr662Ala; replaces threonine 662 with alanine.
Molecular consequence: missense variant.
Genome position (GRCh38, 1-based): chr5:178,986,270, T>C on the plus strand (A>G on the coding strand, the complement: GRM6 is on the minus strand). VCF-style: chr5-178986270-T-C. GRCh37 (hg19) VCF-style: chr5-178413271-T-C.
Other names: short protein forms T662A.
Identifiers: ClinVar variation 1399694 (VCV001399694.5), dbSNP rs148052055, ClinGen allele CA3593869.